The following is an entry in ClinVar:

NM_020771.4(HACE1):c.2014+1G>A

Gene: HACE1 (HECT domain and ankyrin repeat containing E3 ubiquitin protein ligase 1; minus strand). Cytogenetic location: 6q16.3.
Variant type: single nucleotide variant.
Coding change: c.2014+1G>A on transcript NM_020771.4 (MANE Select); the canonical splice donor site of the intron after coding-DNA position 2014, G replaced by A.
Molecular consequence: splice donor variant.
Genome position (GRCh38, 1-based): chr6:104,771,924, C>T on the plus strand (G>A on the coding strand, the complement: HACE1 is on the minus strand). VCF-style: chr6-104771924-C-T. GRCh37 (hg19) VCF-style: chr6-105219799-C-T.
Other names: c.1723+1G>A (NM_001350555.2); c.1231+1G>A (NM_001350560.2); c.1510+1G>A (NM_001350557.2, NM_001350558.2, NM_001321084.2); c.1528+1G>A (NM_001350556.2); c.1432+1G>A (NM_001350559.2); c.1882+1G>A (NM_001321080.2); c.1780+1G>A (NM_001350554.2); c.1912+1G>A (NM_001321083.2).
Identifiers: ClinVar variation 2877614 (VCV002877614.3), dbSNP rs2483071538, ClinGen allele CA365133990.
Genomic context (GRCh38, chr6:104,771,924, plus strand): 5'-CCTCAAACTGAAAAAAAAACAATATAAATAAATGTCTGCAGAAATAATAATAGAGCCATA[C>T]CAAGAATGTGCTTGTAGAAGGATCGTGTGAAGTAAATATTGACCAGCTGCCTGTGGTTCA-3'

ClinVar aggregate classification (germline): Likely pathogenic (1 of 4 stars; one submission).

Allele frequency attached by ClinVar (database versions not stated): gnomAD exomes below 0.00001.

Submission:

Labcorp Genetics (formerly Invitae), Labcorp
Classification: Likely pathogenic. Last evaluated: 2024-02-07. Review status: criteria provided, single submitter. Criteria: Invitae Variant Classification Sherloc (09022015). Collection method: clinical testing. Allele origin: germline.
Comment: This sequence change affects a donor splice site in intron 18 of the HACE1 gene. It is expected to disrupt RNA splicing. Variants that disrupt the donor or acceptor splice site typically lead to a loss of protein function (PMID: 16199547), and loss-of-function variants in HACE1 are known to be pathogenic (PMID: 26424145, 26437029). This variant is not present in population databases (gnomAD no frequency). This variant has not been reported in the literature in individuals affected with HACE1-related conditions. Algorithms developed to predict the effect of sequence changes on RNA splicing suggest that this variant may disrupt the consensus splice site. In summary, the currently available evidence indicates that the variant is pathogenic, but additional data are needed to prove that conclusively. Therefore, this variant has been classified as Likely Pathogenic.

Literature cited by the submitters: PubMed 16199547; PubMed 26424145; PubMed 26437029.